The following is an entry in ClinVar:

NM_144999.4(LRRC45):c.774+9G>A

Gene: LRRC45 (leucine rich repeat containing 45; plus strand). Cytogenetic location: 17q25.3.
Variant type: single nucleotide variant.
Coding change: c.774+9G>A on transcript NM_144999.4 (MANE Select); 9 bases into the intron after coding-DNA position 774, G replaced by A.
Molecular consequence: intron variant.
Genome position (GRCh38, 1-based): chr17:82,027,020, G>A. VCF-style: chr17-82027020-G-A. GRCh37 (hg19) VCF-style: chr17-79984896-G-A.
Identifiers: ClinVar variation 3351356 (VCV003351356.1).
Genomic context (GRCh38, chr17:82,027,020, plus strand): 5'-TCACGTCCTCAGCAAGGAGGTCCAGCACCTCCGGGAGGAGAAGTCCAAGCAGGTGAGGAT[G>A]GCGCCTTCACTGACCTTGGAGCTGCTTATGGCTGGAGGGCCTGGCCACGTCCTTCCTCCC-3'

ClinVar aggregate classification (germline): Likely benign (0 of 4 stars; one submission).

Conditions:
LRRC45-related disorder. Also called: LRRC45-related condition.

gnomAD v4.1: 119 of 1,582,554 alleles (0.0075%); highest among the groups gnomAD compares: African/African-American, 0.12%; no homozygotes.

Submission:

PreventionGenetics, part of Exact Sciences
Classification: Likely benign for LRRC45-related condition. Last evaluated: 2024-08-06. Review status: no assertion criteria provided. Collection method: clinical testing. Allele origin: germline.
Comment: This variant is classified as likely benign based on ACMG/AMP sequence variant interpretation guidelines (Richards et al. 2015 PMID: 25741868, with internal and published modifications).